The following is an entry in ClinVar:

NM_001385641.1(SAMD11):c.1525G>A (p.Glu509Lys)

Gene: SAMD11 (sterile alpha motif domain containing 11; plus strand). Cytogenetic location: 1p36.33.
Variant type: single nucleotide variant.
Coding change: c.1525G>A on transcript NM_001385641.1 (MANE Select); coding-DNA position 1525, G replaced by A.
Protein change: p.Glu509Lys; replaces glutamic acid 509 with lysine.
Molecular consequence: missense variant.
Genome position (GRCh38, 1-based): chr1:942,460, G>A. VCF-style: chr1-942460-G-A. GRCh37 (hg19) VCF-style: chr1-877840-G-A.
Other names: c.1528G>A, p.Glu510Lys (NM_001385640.1); c.1036G>A, p.Glu346Lys (NM_152486.4); short protein forms E509K, E346K, E510K.
Identifiers: ClinVar variation 1468088 (VCV001468088.8), dbSNP rs760888844, ClinGen allele CA337807552.

ClinVar aggregate classification (germline): Uncertain significance (1 of 4 stars; one submission).

Allele frequency attached by ClinVar (database versions not stated): gnomAD exomes below 0.00001; gnomAD 0.00001; TOPMed 0.00001.

Submission:

Labcorp Genetics (formerly Invitae), Labcorp
Classification: Uncertain significance. Last evaluated: 2021-07-16. Review status: criteria provided, single submitter. Criteria: Invitae Variant Classification Sherloc (09022015). Collection method: clinical testing. Allele origin: germline.
Comment: This sequence change replaces glutamic acid with lysine at codon 346 of the SAMD11 protein (p.Glu346Lys). The glutamic acid residue is highly conserved and there is a small physicochemical difference between glutamic acid and lysine. The frequency data for this variant in the population databases is considered unreliable, as metrics indicate insufficient coverage at this position in the ExAC database. This variant has not been reported in the literature in individuals affected with SAMD11-related conditions. Algorithms developed to predict the effect of missense changes on protein structure and function are either unavailable or do not agree on the potential impact of this missense change (SIFT: "Deleterious"; PolyPhen-2: "Possibly Damaging"; Align-GVGD: "Class C0"). In summary, the available evidence is currently insufficient to determine the role of this variant in disease. Therefore, it has been classified as a Variant of Uncertain Significance.